The following is an entry in ClinVar:

NM_207122.2(EXT2):c.599A>G (p.Asn200Ser)

Gene: EXT2 (exostosin glycosyltransferase 2; plus strand). Cytogenetic location: 11p11.2.
Variant type: single nucleotide variant.
Coding change: c.599A>G on transcript NM_207122.2 (MANE Select); coding-DNA position 599, A replaced by G.
Protein change: p.Asn200Ser; replaces asparagine 200 with serine.
Molecular consequence: missense variant.
Genome position (GRCh38, 1-based): chr11:44,109,256, A>G. VCF-style: chr11-44109256-A-G. GRCh37 (hg19) VCF-style: chr11-44130806-A-G.
Other names: c.698A>G, p.Asn233Ser (NM_000401.3); c.599A>G, p.Asn200Ser (NM_001178083.3, NM_001389628.1, NM_001389630.1); short protein forms N200S, N233S.
Identifiers: ClinVar variation 967702 (VCV000967702.10), dbSNP rs1954107822, ClinGen allele CA380180768.

ClinVar aggregate classification (germline): Uncertain significance (1 of 4 stars; one submission).

Conditions:
Exostoses, multiple, type 2 (EXT2). Also called: Hereditary Multiple Osteochondromatosis, Type II; EXOSTOSES, MULTIPLE, TYPE II. Identifiers: Orphanet 321, MedGen C1851413, MONDO:0007586, OMIM 133701.

Allele frequency attached by ClinVar (database versions not stated): gnomAD exomes below 0.00001.
gnomAD v4.1: 1 of 1,614,154 alleles (0.000062%); highest among the groups gnomAD compares: Non-Finnish European, 0.000085%; no homozygotes.

Submission:

Labcorp Genetics (formerly Invitae), Labcorp
Classification: Uncertain significance for Exostoses, multiple, type 2. Last evaluated: 2019-10-30. Review status: criteria provided, single submitter. Criteria: Invitae Variant Classification Sherloc (09022015). Collection method: clinical testing. Allele origin: germline.
Comment: This sequence change replaces asparagine with serine at codon 200 of the EXT2 protein (p.Asn200Ser). The asparagine residue is highly conserved and there is a small physicochemical difference between asparagine and serine. This variant is not present in population databases (ExAC no frequency). This variant has not been reported in the literature in individuals with EXT2-related conditions. Algorithms developed to predict the effect of missense changes on protein structure and function are either unavailable or do not agree on the potential impact of this missense change (SIFT: "Deleterious"; PolyPhen-2: "Possibly Damaging"; Align-GVGD: "Class C0"). In summary, the available evidence is currently insufficient to determine the role of this variant in disease. Therefore, it has been classified as a Variant of Uncertain Significance.